The following is an entry in ClinVar:

ClinVar aggregate classification (germline): Uncertain significance. Review status: criteria provided, multiple submitters, no conflicts (2 of 4 stars). 5 submissions from 5 submitters: Uncertain significance (5). Last evaluated 2025-07-06.

Conditions:
Cardiovascular phenotype. Identifiers: MedGen CN230736.
Arrhythmogenic right ventricular dysplasia 12. Also called: ARRHYTHMOGENIC RIGHT VENTRICULAR DYSPLASIA, FAMILIAL, 12. Identifiers: MedGen C1969081, MONDO:0012684, OMIM 611528.
Naxos disease (NXD). Also called: KERATOSIS PALMOPLANTARIS WITH ARRHYTHMOGENIC CARDIOMYOPATHY; MAL DE NAXOS; CARDIOMYOPATHY, ARRHYTHMOGENIC RIGHT VENTRICULAR, WITH SKIN, HAIR, AND NAIL ABNORMALITIES; PALMOPLANTAR KERATODERMA WITH ARRHYTHMOGENIC RIGHT VENTRICULAR CARDIOMYOPATHY AND WOOLLY HAIR; WOOLLY HAIR, PALMOPLANTAR KERATODERMA, AND CARDIAC ABNORMALITIES. Identifiers: Orphanet 34217, MedGen C1832600, MONDO:0011017, OMIM 601214.

Allele frequency attached by ClinVar (database versions not stated): ExAC 0.00002; gnomAD 0.00002; gnomAD exomes 0.00002; TOPMed 0.00002.
gnomAD v4.1: 24 of 1,606,646 alleles (0.0015%); highest among the groups gnomAD compares: South Asian, 0.0044%; no homozygotes.

Submissions (5):

Labcorp Genetics (formerly Invitae), Labcorp
Classification: Uncertain significance for Arrhythmogenic right ventricular dysplasia 12; Naxos disease. Last evaluated: 2025-07-06. Review status: criteria provided, single submitter. Criteria: Invitae Variant Classification Sherloc (09022015). Collection method: clinical testing. Allele origin: germline.
Comment: This sequence change replaces serine, which is neutral and polar, with leucine, which is neutral and non-polar, at codon 175 of the JUP protein (p.Ser175Leu). This variant is present in population databases (rs782435477, gnomAD 0.007%). This variant has not been reported in the literature in individuals affected with JUP-related conditions. ClinVar contains an entry for this variant (Variation ID: 1435077). An algorithm developed to predict the effect of missense changes on protein structure and function (PolyPhen-2) suggests that this variant is likely to be disruptive. In summary, the available evidence is currently insufficient to determine the role of this variant in disease. Therefore, it has been classified as a Variant of Uncertain Significance.

Molecular Diagnostic Laboratory for Inherited Cardiovascular Disease, Montreal Heart Institute
Classification: Uncertain significance for Cardiovascular phenotype. Last evaluated: 2025-04-09. Review status: criteria provided, single submitter. Criteria: ACMG Guidelines, 2015. Collection method: clinical testing. Allele origin: germline. Affected: yes.
Comment: PM2

Ambry Genetics
Classification: Uncertain significance for Cardiovascular phenotype. Last evaluated: 2023-06-15. Review status: criteria provided, single submitter. Criteria: Ambry Variant Classification Scheme 2023. Collection method: clinical testing. Allele origin: germline.
Comment: The p.S175L variant (also known as c.524C>T), located in coding exon 3 of the JUP gene, results from a C to T substitution at nucleotide position 524. The serine at codon 175 is replaced by leucine, an amino acid with dissimilar properties. This amino acid position is highly conserved in available vertebrate species. In addition, the in silico prediction for this alteration is inconclusive. Since supporting evidence is limited at this time, the clinical significance of this alteration remains unclear.

Fulgent Genetics
Classification: Uncertain significance for Naxos disease; Arrhythmogenic right ventricular dysplasia 12. Last evaluated: 2021-09-15. Review status: criteria provided, single submitter. Criteria: ACMG Guidelines, 2015. Collection method: clinical testing. Allele origin: unknown.

Department of Pathology and Laboratory Medicine, Sinai Health System
Classification: Uncertain significance for Naxos disease; Arrhythmogenic right ventricular dysplasia 12. Last evaluated: 2021-07-30. Review status: criteria provided, single submitter. Criteria: ACMG Guidelines, 2015. Collection method: research. Allele origin: germline.

NM_002230.4(JUP):c.524C>T (p.Ser175Leu)

Gene: JUP (junction plakoglobin; minus strand). Cytogenetic location: 17q21.2.
Variant type: single nucleotide variant.
Coding change: c.524C>T on transcript NM_002230.4 (MANE Select); coding-DNA position 524, C replaced by T.
Protein change: p.Ser175Leu; replaces serine 175 with leucine.
Molecular consequence: missense variant.
Genome position (GRCh38, 1-based): chr17:41,769,152, G>A on the plus strand (C>T on the coding strand, the complement: JUP is on the minus strand). VCF-style: chr17-41769152-G-A. GRCh37 (hg19) VCF-style: chr17-39925404-G-A.
Other names: c.524C>T, p.Ser175Leu (NM_001352773.2, NM_001352774.2, NM_001352775.2 and 3 more transcripts); c.524C>T (NM_002230.3); short protein forms S175L.
Identifiers: ClinVar variation 1435077 (VCV001435077.11), dbSNP rs782435477, ClinGen allele CA8565452.
Genomic context (GRCh38, chr17:41,769,152, plus strand): 5'-TTCTGCATGGTACGCACGACAGCGGCCACCAGCTGGGGCGAGCCCATCAGGGCCCGCCGC[G>A]ACGCCTCCTTCTTCGACAGCTGGTTCACAATCATGGCCGCCTTGGTCACCACCACCTGGA-3'
Protein context (NP_002221.1, residues 165-185): IVNQLSKKEA[Ser175Leu]RRALMGSPQL